The following is an entry in ClinVar:

ClinVar aggregate classification (germline): Benign (0 of 4 stars; one submission).

Conditions:
KLF7-related disorder.

Allele frequency attached by ClinVar (database versions not stated): TOPMed 0.64150; 1000 Genomes Project 30x 0.64553; 1000 Genomes Project 0.64896; ExAC 0.67139.
gnomAD v4.1: 1,021,399 of 1,531,892 alleles (67%); highest among the groups gnomAD compares: Admixed American, 75%; 342,321 homozygotes.

Submission:

PreventionGenetics, part of Exact Sciences
Classification: Benign for KLF7-related condition. Last evaluated: 2019-10-16. Review status: no assertion criteria provided. Collection method: clinical testing. Allele origin: germline.
Comment: This variant is classified as benign based on ACMG/AMP sequence variant interpretation guidelines (Richards et al. 2015 PMID: 25741868, with internal and published modifications).

NM_003709.4(KLF7):c.103-9672G>A

Gene: KLF7 (KLF transcription factor 7; minus strand). Cytogenetic location: 2q33.3.
Variant type: single nucleotide variant.
Coding change: c.103-9672G>A on transcript NM_003709.4 (MANE Select); 9672 bases into the intron before coding-DNA position 103, G replaced by A.
Molecular consequence: intron variant. On other transcripts: synonymous variant (1).
Genome position (GRCh38, 1-based): chr2:207,134,076, C>T on the plus strand (G>A on the coding strand, the complement: KLF7 is on the minus strand). VCF-style: chr2-207134076-C-T. GRCh37 (hg19) VCF-style: chr2-207998800-C-T.
Other names: c.9G>A, p.Pro3= (NM_001270944.2); c.4-9672G>A (NM_001270943.2); c.103-9672G>A (NM_001270942.1).
Identifiers: ClinVar variation 3059981 (VCV003059981.2), dbSNP rs2284934, ClinGen allele CA2075931.